The following is an entry in ClinVar:

ClinVar aggregate classification (germline): Uncertain significance. Review status: criteria provided, multiple submitters, no conflicts (2 of 4 stars). 3 submissions from 3 submitters: Uncertain significance (3). Last evaluated 2023-10-17.

Conditions:
Epidermolysis bullosa simplex 5B, with muscular dystrophy (EBS5B). Also called: EPIDERMOLYSIS BULLOSA SIMPLEX AND LIMB-GIRDLE MUSCULAR DYSTROPHY; Epidermolysis bullosa simplex with muscular dystrophy. Identifiers: Orphanet 257, MedGen C2931072, MONDO:0009181, OMIM 226670.
Epidermolysis bullosa simplex, Ogna type (EBS5A). Also called: Pidermolysis bullosa simplex 5A, Ogna type; EPIDERMOLYSIS BULLOSA SIMPLEX 5A, OGNA TYPE. Identifiers: Orphanet 79401, MedGen C0432317, MONDO:0007555, OMIM 131950.
Autosomal recessive limb-girdle muscular dystrophy type 2Q (LGMDR17). Also called: MUSCULAR DYSTROPHY, LIMB-GIRDLE, AUTOSOMAL RECESSIVE 17. Identifiers: Orphanet 254361, MedGen C3150989, MONDO:0013390, OMIM 613723.
Epidermolysis bullosa simplex 5C, with pyloric atresia (EBS5C). Also called: Epidermolysis bullosa simplex with pyloric atresia; PLEC1-Related Epidermolysis Bullosa with Pyloric Atresia; PLEC-Related Epidermolysis Bullosa with Pyloric Atresia. Identifiers: Orphanet 158684, MedGen C2677349, MONDO:0012807, OMIM 612138.
Epidermolysis bullosa simplex with nail dystrophy (EBS5D). Identifiers: MedGen C4225309, MONDO:0014661, OMIM 616487.

Allele frequency attached by ClinVar (database versions not stated): gnomAD 0.00001; gnomAD exomes 0.00002; TOPMed 0.00003.
gnomAD v4.1: 16 of 1,611,828 alleles (0.00099%); highest among the groups gnomAD compares: African/African-American, 0.0053%; no homozygotes.

Submissions (3):

Revvity Omics, Revvity
Classification: Uncertain significance. Last evaluated: 2023-10-17. Review status: criteria provided, single submitter. Criteria: ACMG Guidelines, 2015. Collection method: clinical testing. Allele origin: germline.

Labcorp Genetics (formerly Invitae), Labcorp
Classification: Uncertain significance for Autosomal recessive limb-girdle muscular dystrophy type 2Q; Epidermolysis bullosa simplex, Ogna type; Epidermolysis bullosa simplex with nail dystrophy; Epidermolysis bullosa simplex 5C, with pyloric atresia; Epidermolysis bullosa simplex 5B, with muscular dystrophy. Last evaluated: 2023-07-14. Review status: criteria provided, single submitter. Criteria: Invitae Variant Classification Sherloc (09022015). Collection method: clinical testing. Allele origin: germline.
Comment: In summary, the available evidence is currently insufficient to determine the role of this variant in disease. Therefore, it has been classified as a Variant of Uncertain Significance. Advanced modeling of protein sequence and biophysical properties (such as structural, functional, and spatial information, amino acid conservation, physicochemical variation, residue mobility, and thermodynamic stability) performed at Invitae indicates that this missense variant is not expected to disrupt PLEC protein function. ClinVar contains an entry for this variant (Variation ID: 501747). This variant has not been reported in the literature in individuals affected with PLEC-related conditions. This variant is present in population databases (no rsID available, gnomAD 0.007%). This sequence change replaces arginine, which is basic and polar, with glutamine, which is neutral and polar, at codon 711 of the PLEC protein (p.Arg711Gln).

Eurofins Ntd Llc (ga)
Classification: Uncertain significance. Last evaluated: 2017-05-04. Review status: criteria provided, single submitter. Criteria: EGL Classification Definitions 2015. Collection method: clinical testing. Allele origin: germline. Observed: 1 variant allele, 1 heterozygote.

NM_201384.3(PLEC):c.2051G>A (p.Arg684Gln)

Gene: PLEC (plectin; minus strand). Cytogenetic location: 8q24.3.
Variant type: single nucleotide variant.
Coding change: c.2051G>A on transcript NM_201384.3 (MANE Select); coding-DNA position 2051, G replaced by A.
Protein change: p.Arg684Gln; replaces arginine 684 with glutamine.
Molecular consequence: missense variant.
Genome position (GRCh38, 1-based): chr8:143,932,161, C>T on the plus strand (G>A on the coding strand, the complement: PLEC is on the minus strand). VCF-style: chr8-143932161-C-T. GRCh37 (hg19) VCF-style: chr8-145006329-C-T.
Other names: c.2132G>A, p.Arg711Gln (NM_000445.5); c.2009G>A, p.Arg670Gln (NM_201378.4); c.1985G>A, p.Arg662Gln (NM_201379.3); c.2462G>A, p.Arg821Gln (NM_201380.4); c.1955G>A, p.Arg652Gln (NM_201381.3); c.2051G>A, p.Arg684Gln (NM_201382.4); c.2063G>A, p.Arg688Gln (NM_201383.3); short protein forms R652Q, R662Q, R670Q, R684Q, R688Q, R711Q, R821Q.
Identifiers: ClinVar variation 501747 (VCV000501747.11), dbSNP rs1290657834, ClinGen allele CA372577355.